The following is an entry in ClinVar:

NM_014639.4(SKIC3):c.1848A>G (p.Thr616=)

Gene: SKIC3 (SKI3 subunit of superkiller complex; minus strand). Cytogenetic location: 5q15.
Variant type: single nucleotide variant.
Coding change: c.1848A>G on transcript NM_014639.4 (MANE Select); coding-DNA position 1848, A replaced by G.
Protein change: p.Thr616=; no amino-acid change (threonine 616 retained).
Molecular consequence: synonymous variant.
Genome position (GRCh38, 1-based): chr5:95,522,217, T>C on the plus strand (A>G on the coding strand, the complement: SKIC3 is on the minus strand). VCF-style: chr5-95522217-T-C. GRCh37 (hg19) VCF-style: chr5-94857921-T-C.
Identifiers: ClinVar variation 282567 (VCV000282567.43), dbSNP rs145518834, ClinGen allele CA3347219.

ClinVar aggregate classification (germline): Benign/Likely benign. Review status: criteria provided, multiple submitters, no conflicts (2 of 4 stars). 7 submissions from 7 submitters: Benign (1); Likely benign (4). 2 of the submissions do not count toward it. Last evaluated 2026-04-01.

Allele frequency attached by ClinVar (database versions not stated): 1000 Genomes Project 0.00020; 1000 Genomes Project 30x 0.00031; TOPMed 0.00149; ExAC 0.00161; gnomAD 0.00165 and 0.00172; gnomAD exomes 0.00170 and 0.00188; ESP Exome Variant Server 0.00208.
gnomAD v4.1: 2,766 of 1,613,908 alleles (0.17%); highest among the groups gnomAD compares: Non-Finnish European, 0.16%; 8 homozygotes.

Submissions (7):

CeGaT Center for Human Genetics Tuebingen
Classification: Likely benign. Last evaluated: 2026-04-01. Review status: criteria provided, single submitter. Criteria: CeGaT Center For Human Genetics Tuebingen Variant Classification Criteria Version 2. Collection method: clinical testing. Allele origin: germline. Affected: yes. Observed: 4 variant alleles.
Comment: SKIC3: BP4, BP7

Labcorp Genetics (formerly Invitae), Labcorp
Classification: Benign. Last evaluated: 2026-02-02. Review status: criteria provided, single submitter. Criteria: Invitae Variant Classification Sherloc (09022015). Collection method: clinical testing. Allele origin: germline.

Blueprint Genetics
Classification: Likely benign. Last evaluated: 2024-11-26. Review status: criteria provided, single submitter. Criteria: ACMG Guidelines, 2015. Collection method: clinical testing. Allele origin: germline.

ARUP Laboratories, Molecular Genetics and Genomics, ARUP Laboratories
Classification: Likely benign. Last evaluated: 2024-01-18. Review status: criteria provided, single submitter. Criteria: ARUP Molecular Germline Variant Investigation Process 2024. Collection method: clinical testing. Allele origin: germline.

Eurofins Ntd Llc (ga)
Classification: Likely benign. Last evaluated: 2015-08-27. Review status: criteria provided, single submitter. Criteria: EGL Classification Definitions 2015. Collection method: clinical testing. Allele origin: germline. Observed: 1 variant allele, 1 heterozygote.

Clinical Genetics DNA and cytogenetics Diagnostics Lab, Erasmus MC, Erasmus Medical Center
Classification: Likely benign. Review status: no assertion criteria provided. Collection method: clinical testing. Allele origin: germline. Affected: yes. Study: VKGL Data-share Consensus. Not counted in ClinVar's aggregate classification.

Genome Diagnostics Laboratory, University Medical Center Utrecht
Classification: Likely benign. Review status: no assertion criteria provided. Collection method: clinical testing. Allele origin: germline. Affected: yes. Study: VKGL Data-share Consensus. Not counted in ClinVar's aggregate classification.